The following is an entry in ClinVar:

ClinVar aggregate classification (germline): Benign. Review status: criteria provided, multiple submitters, no conflicts (2 of 4 stars). 5 submissions from 5 submitters: Benign (4). 1 of the submissions does not count toward it. Last evaluated 2026-09-16.

Conditions:
Myeloproliferative neoplasm. Identifiers: Orphanet 98274, MedGen C1292778, MONDO:0020076.
SH2B3-related disorder. Also called: SH2B3-related condition.

Allele frequency attached by ClinVar (database versions not stated): ExAC 0.04109; ESP Exome Variant Server 0.04555; gnomAD 0.10361 and 0.11086; 1000 Genomes Project 0.11502; TOPMed 0.11642; 1000 Genomes Project 30x 0.12196.
gnomAD v4.1: 28,092 of 1,475,164 alleles (1.9%); highest among the groups gnomAD compares: African/African-American, 36%; 4,488 homozygotes.

Submissions (5):

Dept of Medical Biology, Uskudar University
Classification: Benign for Myeloproliferative neoplasm. Last evaluated: 2026-09-16. Review status: criteria provided, single submitter. Criteria: Dept of Medical Biology Variant Classification. Collection method: research. Allele origin: germline. Affected: yes. Observed: 2 variant alleles.
Comment: BA1: allele frequency about 3.5e-01 in the African population and 1.0e-01 overall in gnomAD v4.1. BP4: computational evidence suggests no impact. BP6: classified as benign in ClinVar (VCV000380743). Observed in cis with NM_005475.3:c.544T>C in two patients. Classified as benign under the ACMG/AMP 2015 guidelines (PMID:25741868). Detected in a retrospective series of 256 BCR::ABL1-negative and JAK2 V617F-negative patients referred for molecular investigation of a suspected myeloproliferative neoplasm (May 2007 to January 2015) and re-interpreted under the ACMG/AMP 2015 criteria.

ARUP Laboratories, Molecular Genetics and Genomics, ARUP Laboratories
Classification: Benign. Last evaluated: 2025-05-02. Review status: criteria provided, single submitter. Criteria: ARUP Molecular Germline Variant Investigation Process 2024. Collection method: clinical testing. Allele origin: germline.

GeneDx
Classification: Benign. Last evaluated: 2016-03-31. Review status: criteria provided, single submitter. Criteria: GeneDx Variant Classification (06012015). Collection method: clinical testing. Allele origin: germline. Affected: yes.
Comment: This variant is considered likely benign or benign based on one or more of the following criteria: it is a conservative change, it occurs at a poorly conserved position in the protein, it is predicted to be benign by multiple in silico algorithms, and/or has population frequency not consistent with disease.

Breakthrough Genomics
Classification: Benign. Review status: criteria provided, single submitter. Criteria: ACMG Guidelines, 2015. Collection method: not provided. Allele origin: germline. Inheritance: Autosomal dominant inheritance. Affected: yes.

PreventionGenetics, part of Exact Sciences
Classification: Benign for SH2B3-related condition. Last evaluated: 2019-11-07. Review status: no assertion criteria provided. Collection method: clinical testing. Allele origin: germline. Not counted in ClinVar's aggregate classification.
Comment: This variant is classified as benign based on ACMG/AMP sequence variant interpretation guidelines (Richards et al. 2015 PMID: 25741868, with internal and published modifications).

NM_005475.3(SH2B3):c.494C>G (p.Thr165Ser)

Gene: SH2B3 (SH2B adaptor protein 3; plus strand). Cytogenetic location: 12q24.12.
Variant type: single nucleotide variant.
Coding change: c.494C>G on transcript NM_005475.3 (MANE Select); coding-DNA position 494, C replaced by G.
Protein change: p.Thr165Ser; replaces threonine 165 with serine.
Molecular consequence: missense variant.
Genome position (GRCh38, 1-based): chr12:111,418,639, C>G. VCF-style: chr12-111418639-C-G. GRCh37 (hg19) VCF-style: chr12-111856443-C-G.
Other names: short protein forms T165S.
Identifiers: ClinVar variation 380743 (VCV000380743.8), dbSNP rs7963692, ClinGen allele CA6789682.